The following is an entry in ClinVar:

ClinVar aggregate classification (germline): Pathogenic. Review status: criteria provided, single submitter (1 of 4 stars). 2 submissions from 2 submitters: Pathogenic (1). 1 of the submissions does not count toward it. Last evaluated 2023-02-13.

Conditions:
Fanconi anemia complementation group F. Also called: FANCF-Related Fanconi Anemia. Identifiers: Orphanet 84, MedGen C3469526, MONDO:0011325, OMIM 603467.

Allele frequency attached by ClinVar (database versions not stated): gnomAD exomes below 0.00001 and 0.00001.

Submissions (2):

Baylor Genetics
Classification: Pathogenic for Fanconi anemia complementation group F. Last evaluated: 2023-02-13. Review status: criteria provided, single submitter. Criteria: ACMG Guidelines, 2015. Collection method: clinical testing. Allele origin: unknown.

Leiden Open Variation Database
Classification: Pathogenic for Fanconi anemia complementation group F. Last evaluated: 2012-04-08. Review status: no assertion criteria provided. Collection method: curation. Allele origin: germline. Affected: yes. Not counted in ClinVar's aggregate classification.
Comment: Curator: Arleen D. Auerbach. Submitters to LOVD: Arleen D. Auerbach, Johan de Winter.

Literature cited by the submitters: PubMed 16084127 (cited by Leiden Open Variation Database); PubMed 22778927 (cited by Leiden Open Variation Database).

NM_022725.4(FANCF):c.496C>T (p.Gln166Ter)

Gene: FANCF (FA complementation group F; minus strand). Cytogenetic location: 11p14.3.
Variant type: single nucleotide variant.
Coding change: c.496C>T on transcript NM_022725.4 (MANE Select); coding-DNA position 496, C replaced by T.
Protein change: p.Gln166Ter; replaces glutamine 166 with a stop codon.
Molecular consequence: nonsense.
Genome position (GRCh38, 1-based): chr11:22,625,315, G>A on the plus strand (C>T on the coding strand, the complement: FANCF is on the minus strand). VCF-style: chr11-22625315-G-A. GRCh37 (hg19) VCF-style: chr11-22646861-G-A.
Other names: short protein forms Q166*.
Identifiers: ClinVar variation 929563 (VCV000929563.2), dbSNP rs766279442, ClinGen allele CA380058924.